The following is an entry in ClinVar:

ClinVar aggregate classification (germline): Pathogenic (1 of 4 stars; one submission).

Conditions:
Wiedemann-Steiner syndrome (WDSTS). Also called: Growth deficiency and mental retardation with facial dysmorphism. Identifiers: Orphanet 319182, MedGen C1854630, MONDO:0011518, OMIM 605130.

Submission:

Victorian Clinical Genetics Services, Murdoch Childrens Research Institute
Classification: Pathogenic for Wiedemann-Steiner syndrome. Last evaluated: 2021-05-06. Review status: criteria provided, single submitter. Criteria: ACMG Guidelines, 2015. Collection method: clinical testing. Allele origin: germline. Inheritance: Autosomal dominant inheritance. Affected: yes.
Comment: Based on the classification scheme VCGS_Germline_v1.3.4, this variant is classified as Pathogenic. Following criteria are met: 0102 - Loss of function is a known mechanism of disease in this gene and is associated with Wiedemann-Steiner syndrome (MIM#605130). A possible dominant-negative mechanism has also been suggested for variants within CXXC domain (PMID 29203834). (I) 0107 - This gene is associated with autosomal dominant disease. (I) 0201 - Variant is predicted to cause nonsense-mediated decay (NMD) and loss of protein (premature termination codon is located at least 54 nucleotides upstream of the final exon-exon junction). (SP) 0251 - This variant is heterozygous. (I) 0301 - Variant is absent from gnomAD (both v2 and v3). (SP) 0701 - Many other NMD predicted variants comparable to the one identified in this case have very strong previous evidence for pathogenicity (ClinVar). (SP) 0807 - This variant has no previous evidence of pathogenicity. (I) 0905 - No published segregation evidence has been identified for this variant. (I) 1007 - No published functional evidence has been identified for this variant. (I) 1208 - Inheritance information for this variant is not currently available in this individual. (I) Legend: (SP) - Supporting pathogenic, (I) - Information, (SB) - Supporting benign

Literature cited by the submitters: PubMed 29203834.

NM_001197104.2(KMT2A):c.7753del (p.Asp2585fs)

Gene: KMT2A (lysine methyltransferase 2A; plus strand). Cytogenetic location: 11q23.3.
Variant type: Deletion.
Coding change: c.7753del on transcript NM_001197104.2 (MANE Select); coding-DNA position 7753, one base deleted (G; older notation c.7753delG).
Protein change: p.Asp2585fs; shifts the reading frame from aspartic acid 2585.
Molecular consequence: frameshift variant.
Genome position (GRCh38, 1-based): chr11:118,503,645, G deleted; the last of 2 consecutive G bases (chr11:118,503,644-118,503,645); deleting either gives the same sequence. VCF-style (leftmost placement, unchanged base first): chr11-118503643-AG-A. GRCh37 (hg19) VCF-style: chr11-118374358-AG-A.
Other names: c.7843delG, p.Asp2615Ilefs (NM_001412597.1); c.7744del, p.Asp2582fs (NM_005933.4); short protein forms D2582fs, D2585fs.
Identifiers: ClinVar variation 1804959 (VCV001804959.1), dbSNP rs2497002606, ClinGen allele CA1139771246.